The following is an entry in ClinVar:

NM_015465.5(GEMIN5):c.2662G>A (p.Glu888Lys)

Gene: GEMIN5 (gem nuclear organelle associated protein 5; minus strand). Cytogenetic location: 5q33.2.
Variant type: single nucleotide variant.
Coding change: c.2662G>A on transcript NM_015465.5 (MANE Select); coding-DNA position 2662, G replaced by A.
Protein change: p.Glu888Lys; replaces glutamic acid 888 with lysine.
Molecular consequence: missense variant.
Genome position (GRCh38, 1-based): chr5:154,903,146, C>T on the plus strand (G>A on the coding strand, the complement: GEMIN5 is on the minus strand). VCF-style: chr5-154903146-C-T. GRCh37 (hg19) VCF-style: chr5-154282706-C-T.
Other names: c.2659G>A, p.Glu887Lys (NM_001252156.2); short protein forms E887K, E888K.
Identifiers: ClinVar variation 3366982 (VCV003366982.1).

ClinVar aggregate classification (germline): Uncertain significance (1 of 4 stars; one submission).

Conditions:
Neurodevelopmental disorder with cerebellar atrophy and motor dysfunction. Identifiers: MedGen C5543427, MONDO:0859152, OMIM 619333.

gnomAD v4.1: 11 of 1,612,444 alleles (0.00068%); highest among the groups gnomAD compares: Non-Finnish European, 0.00085%; no homozygotes.

Submission:

Institute of Immunology and Genetics Kaiserslautern
Classification: Uncertain significance for Neurodevelopmental disorder with cerebellar atrophy and motor dysfunction. Last evaluated: 2023-12-18. Review status: criteria provided, single submitter. Criteria: ACMG Guidelines, 2015. Collection method: clinical testing. Allele origin: biparental.
Comment: ACMG Criteria: PM2_P, BP4; Variant was found in a homozygous state